The following is an entry in ClinVar:

NM_020320.5(RARS2):c.162T>A (p.Asn54Lys)

Gene: RARS2 (arginyl-tRNA synthetase 2, mitochondrial; minus strand). Cytogenetic location: 6q15.
Variant type: single nucleotide variant.
Coding change: c.162T>A on transcript NM_020320.5 (MANE Select); coding-DNA position 162, T replaced by A.
Protein change: p.Asn54Lys; replaces asparagine 54 with lysine.
Molecular consequence: missense variant. On other transcripts: 5 prime UTR variant (7), non-coding transcript variant (23).
Genome position (GRCh38, 1-based): chr6:87,564,181, A>T on the plus strand (T>A on the coding strand, the complement: RARS2 is on the minus strand). VCF-style: chr6-87564181-A-T. GRCh37 (hg19) VCF-style: chr6-88273899-A-T.
Other names: c.-308T>A (NM_001318785.2, NM_001350509.2); c.162T>A, p.Asn54Lys (NM_001350505.2); c.-364T>A (NM_001350506.2, NM_001350507.2, NM_001350510.2 and 1 more transcripts); c.-526T>A (NM_001350508.2); short protein forms N54K.
Identifiers: ClinVar variation 1913731 (VCV001913731.5), dbSNP rs766493153, ClinGen allele CA364940836.

ClinVar aggregate classification (germline): Uncertain significance (1 of 4 stars; one submission).

gnomAD v4.1: 2 of 1,613,854 alleles (0.00012%); no homozygotes.

Submission:

Labcorp Genetics (formerly Invitae), Labcorp
Classification: Uncertain significance. Last evaluated: 2022-08-17. Review status: criteria provided, single submitter. Criteria: Invitae Variant Classification Sherloc (09022015). Collection method: clinical testing. Allele origin: germline.
Comment: In summary, the available evidence is currently insufficient to determine the role of this variant in disease. Therefore, it has been classified as a Variant of Uncertain Significance. Advanced modeling of protein sequence and biophysical properties (such as structural, functional, and spatial information, amino acid conservation, physicochemical variation, residue mobility, and thermodynamic stability) performed at Invitae indicates that this missense variant is not expected to disrupt RARS2 protein function. This variant has not been reported in the literature in individuals affected with RARS2-related conditions. This variant is not present in population databases (gnomAD no frequency). This sequence change replaces asparagine, which is neutral and polar, with lysine, which is basic and polar, at codon 54 of the RARS2 protein (p.Asn54Lys).